The following is an entry in ClinVar:

NM_001001557.4(GDF6):c.223C>A (p.Pro75Thr)

Gene: GDF6 (growth differentiation factor 6; minus strand). Cytogenetic location: 8q22.1.
Variant type: single nucleotide variant.
Coding change: c.223C>A on transcript NM_001001557.4 (MANE Select); coding-DNA position 223, C replaced by A.
Protein change: p.Pro75Thr; replaces proline 75 with threonine.
Molecular consequence: missense variant.
Genome position (GRCh38, 1-based): chr8:96,160,470, G>T on the plus strand (C>A on the coding strand, the complement: GDF6 is on the minus strand). VCF-style: chr8-96160470-G-T. GRCh37 (hg19) VCF-style: chr8-97172698-G-T.
Other names: short protein forms P75T.
Identifiers: ClinVar variation 962453 (VCV000962453.9), dbSNP rs1040541530, ClinGen allele CA371753693.

ClinVar aggregate classification (germline): Uncertain significance (1 of 4 stars; one submission).

Conditions:
Leber congenital amaurosis 17 (LCA17). Identifiers: Orphanet 65, MedGen C3715164, MONDO:0014145, OMIM 615360.
Microphthalmia, isolated, with coloboma 6 (MCOPCB6). Also called: Microphthalmia with coloboma 6, digenic; Microphthalmia with coloboma 6; MICROPHTHALMIA/COLOBOMA 6. Identifiers: Orphanet 98938, MedGen C3150968, MONDO:0013376, OMIM 613703.
Isolated microphthalmia 4. Identifiers: Orphanet 2542, MedGen C2751307, MONDO:0013130, OMIM 613094.
Klippel-Feil syndrome 1, autosomal dominant (KFS1). Also called: CERVICAL VERTEBRAL FUSION, AUTOSOMAL DOMINANT. Identifiers: Orphanet 2345, MedGen C1861689, MONDO:0007306, OMIM 118100.

Submission:

Labcorp Genetics (formerly Invitae), Labcorp
Classification: Uncertain significance for Isolated microphthalmia 4; Leber congenital amaurosis 17; Klippel-Feil syndrome 1, autosomal dominant; Microphthalmia, isolated, with coloboma 6. Last evaluated: 2022-01-06. Review status: criteria provided, single submitter. Criteria: Invitae Variant Classification Sherloc (09022015). Collection method: clinical testing. Allele origin: germline.
Comment: This variant has not been reported in the literature in individuals affected with GDF6-related conditions. In summary, the available evidence is currently insufficient to determine the role of this variant in disease. Therefore, it has been classified as a Variant of Uncertain Significance. Algorithms developed to predict the effect of missense changes on protein structure and function (SIFT, PolyPhen-2, Align-GVGD) all suggest that this variant is likely to be tolerated. ClinVar contains an entry for this variant (Variation ID: 962453). This variant is not present in population databases (gnomAD no frequency). This sequence change replaces proline, which is neutral and non-polar, with threonine, which is neutral and polar, at codon 75 of the GDF6 protein (p.Pro75Thr).